The following is an entry in ClinVar:

NM_000179.3(MSH6):c.254CCA[1] (p.Thr86del)

Genes: MSH6 (mutS homolog 6; plus strand), LOC129933707 (ATAC-STARR-seq lymphoblastoid silent region 11468; plus strand). Cytogenetic location: 2p16.3.
Variant type: Microsatellite.
Coding change: c.254CCA[1] on transcript NM_000179.3 (MANE Select); one copy of the 3-base unit CCA starting at c.254; the reference has two copies in a row; one copy, 3 bases deleted; also written c.257_259del.
Protein change: p.Thr86del; deletes threonine 86.
Molecular consequence: inframe deletion. On other transcripts: 5 prime UTR variant (1), intron variant (1).
Genome position (GRCh38, 1-based): chr2:47,783,490-47,783,492, CCA deleted; deleting any 3 consecutive bases within chr2:47,783,487-47,783,492 gives the same sequence; the position shown is the placement nearest the transcript's 3' end. VCF-style (leftmost placement, unchanged base first): chr2-47783486-CCCA-C. GRCh37 (hg19) VCF-style: chr2-48010625-CCCA-C.
Other names: c.-483CCA[1] (NM_001281493.2); c.237+20_237+22del (NM_001281492.2); c.257_259delCCA (NM_000179.2); c.257_259del (NM_000179.3); short protein forms T86del.
Identifiers: ClinVar variation 548802 (VCV000548802.15), dbSNP rs1553408448, ClinGen allele CA658823253.

ClinVar aggregate classification (germline): Uncertain significance. Review status: criteria provided, multiple submitters, no conflicts (2 of 4 stars). 5 submissions from 5 submitters: Uncertain significance (4). 1 of the submissions does not count toward it. Last evaluated 2025-08-18.

Conditions:
Hereditary nonpolyposis colorectal neoplasms. Identifiers: MedGen C0009405, MeSH D003123.
Hereditary cancer-predisposing syndrome. Also called: Hereditary Cancer Syndrome; Hereditary neoplastic syndrome; Tumor predisposition; Neoplastic Syndromes, Hereditary. Identifiers: Orphanet 140162, MedGen C0027672, MeSH D009386, MONDO:0015356.
Lynch syndrome 5 (LYNCH5). Also called: Hereditary non-polyposis colorectal cancer, type 5; Colorectal cancer, hereditary nonpolyposis, type 5. Identifiers: Orphanet 144, MedGen C1833477, MONDO:0013710, OMIM 614350. Disease mechanism: loss of function.
Endometrial carcinoma. Also called: Endometrial carcinoma, somatic. Identifiers: MedGen C0476089, MONDO:0002447, OMIM 608089, HP:0012114.

Submissions (5):

Ambry Genetics
Classification: Uncertain significance for Hereditary cancer-predisposing syndrome. Last evaluated: 2025-08-18. Review status: criteria provided, single submitter. Criteria: Ambry Variant Classification Scheme 2023. Collection method: clinical testing. Allele origin: germline.
Comment: The c.257_259delCCA variant (also known as p.T86del) is located in coding exon 1 of the MSH6 gene. This variant results from an in-frame CCA deletion at nucleotide positions 257 to 259. This results in the in-frame deletion of a threonine at codon 86. This amino acid position is not well conserved in available vertebrate species. In addition, this variant is predicted to be neutral by in silico analysis (Choi Y et al. PLoS ONE. 2012; 7(10):e46688). Based on the available evidence, the clinical significance of this variant remains unclear.

Labcorp Genetics (formerly Invitae), Labcorp
Classification: Uncertain significance for Hereditary nonpolyposis colorectal neoplasms. Last evaluated: 2023-12-26. Review status: criteria provided, single submitter. Criteria: Invitae Variant Classification Sherloc (09022015). Collection method: clinical testing. Allele origin: germline.
Comment: This variant, c.257_259del, results in the deletion of 1 amino acid(s) of the MSH6 protein (p.Thr86del), but otherwise preserves the integrity of the reading frame. This variant is not present in population databases (gnomAD no frequency). This variant has not been reported in the literature in individuals affected with MSH6-related conditions. ClinVar contains an entry for this variant (Variation ID: 548802). In summary, the available evidence is currently insufficient to determine the role of this variant in disease. Therefore, it has been classified as a Variant of Uncertain Significance.

Baylor Genetics
Classification: Uncertain significance for Endometrial carcinoma. Last evaluated: 2023-05-01. Review status: criteria provided, single submitter. Criteria: ACMG Guidelines, 2015. Collection method: clinical testing. Allele origin: unknown.

Myriad Genetics, Inc.
Classification: Uncertain significance for Lynch syndrome 5. Last evaluated: 2023-03-30. Review status: criteria provided, single submitter. Criteria: Myriad Autosomal Dominant, Autosomal Recessive and X-Linked Classification Criteria (2023). Collection method: clinical testing. Allele origin: unknown.
Comment: This variant is classified as a variant of uncertain significance as there is insufficient evidence to determine its impact on protein function and/or cancer risk.

Counsyl
Classification: Uncertain significance for Lynch syndrome 5. Last evaluated: 2017-10-19. Review status: no assertion criteria provided. Collection method: clinical testing. Allele origin: unknown. Not counted in ClinVar's aggregate classification.